The following is an entry in ClinVar:

NM_194454.3(KRIT1):c.143dup (p.Arg49fs)

Gene: KRIT1 (KRIT1 ankyrin repeat containing; minus strand). Cytogenetic location: 7q21.2.
Variant type: Duplication.
Coding change: c.143dup on transcript NM_194454.3 (MANE Select); coding-DNA position 143, one base duplicated (A; older notation c.143dupA).
Protein change: p.Arg49fs; shifts the reading frame from arginine 49.
Molecular consequence: frameshift variant. On other transcripts: 5 prime UTR variant (1).
Genome position (GRCh38, 1-based): chr7:92,241,112, T duplicated on the plus strand (A on the coding strand, the reverse complement: KRIT1 is on the minus strand); the first of 8 consecutive T bases (chr7:92,241,112-92,241,119); duplicating any one gives the same sequence. VCF-style (leftmost placement, unchanged base first): chr7-92241111-C-CT. GRCh37 (hg19) VCF-style: chr7-91870425-C-CT.
Other names: c.143dup, p.Arg49fs (NM_001013406.2, NM_001350669.1, NM_001350670.1 and 29 more transcripts); c.-441dup (NM_001350671.1); short protein forms R49fs.
Identifiers: ClinVar variation 1459380 (VCV001459380.7), dbSNP rs776245507, ClinGen allele CA1104457219.

ClinVar aggregate classification (germline): Pathogenic. Review status: criteria provided, multiple submitters, no conflicts (2 of 4 stars). 2 submissions from 2 submitters: Pathogenic (2). Last evaluated 2021-09-25.

Conditions:
Cerebral cavernous malformation (CCM). Also called: Cavernous Hemangioma of Brain; Cerebral cavernous hemangioma (type); CAVERNOUS ANGIOMA, FAMILIAL; CAVERNOUS ANGIOMATOUS MALFORMATIONS; CEREBRAL CAPILLARY MALFORMATIONS; Cerebral cavernous malformations. Identifiers: Orphanet 221061, MedGen C2919945, MONDO:0000820, OMIM 116860, HP:0033522.

Submissions (2):

Labcorp Genetics (formerly Invitae), Labcorp
Classification: Pathogenic for Cerebral cavernous malformation. Last evaluated: 2021-09-25. Review status: criteria provided, single submitter. Criteria: Invitae Variant Classification Sherloc (09022015). Collection method: clinical testing. Allele origin: germline.
Comment: This premature translational stop signal has been observed in individual(s) with cerebral cavernous malformations (PMID: 12404106). This variant is not present in population databases (ExAC no frequency). This sequence change creates a premature translational stop signal (p.Arg49Glufs*15) in the KRIT1 gene. It is expected to result in an absent or disrupted protein product. Loss-of-function variants in KRIT1 are known to be pathogenic (PMID: 10508515, 11222804, 12404106, 24689081). This variant is also known as c.143-144 ins A; p.48fs63X. For these reasons, this variant has been classified as Pathogenic.

Clinical Genetics Service, Universitary Hospital 12 de Octubre
Classification: Pathogenic for Cerebral cavernous malformation. Review status: criteria provided, single submitter. Criteria: ACMG Guidelines, 2015. Collection method: clinical testing. Allele origin: germline. Affected: yes.

Literature cited by the submitters: PubMed 12404106 (cited by Labcorp Genetics (formerly Invitae), Labcorp); PubMed 10508515 (cited by Labcorp Genetics (formerly Invitae), Labcorp); PubMed 11222804 (cited by Labcorp Genetics (formerly Invitae), Labcorp); PubMed 24689081 (cited by Labcorp Genetics (formerly Invitae), Labcorp).